The following is an entry in ClinVar:

ClinVar aggregate classification (germline): Likely benign. Review status: criteria provided, multiple submitters, no conflicts (2 of 4 stars). 5 submissions from 5 submitters: Likely benign (5). Last evaluated 2026-01-28.

Conditions:
Cardiovascular phenotype. Identifiers: MedGen CN230736.
Cardiac arrhythmia. Also called: Cardiac rhythm disease; Arrhythmia. Identifiers: MedGen C0003811, MONDO:0007263, HP:0011675.
Long QT syndrome (LQTS). Identifiers: MedGen C0023976, MeSH D008133, MONDO:0002442. Disease mechanism: loss of function. Inheritance: Various modes of inheritance.

Allele frequency attached by ClinVar (database versions not stated): gnomAD 0.00001; TOPMed 0.00001.

Submissions (5):

Labcorp Genetics (formerly Invitae), Labcorp
Classification: Likely benign for Long QT syndrome. Last evaluated: 2026-01-28. Review status: criteria provided, single submitter. Criteria: Invitae Variant Classification Sherloc (09022015). Collection method: clinical testing. Allele origin: germline.

Blueprint Genetics
Classification: Likely benign. Last evaluated: 2024-08-08. Review status: criteria provided, single submitter. Criteria: ACMG Guidelines, 2015. Collection method: clinical testing. Allele origin: germline.

All of Us Research Program, National Institutes of Health
Classification: Likely benign for Long QT syndrome. Last evaluated: 2023-05-04. Review status: criteria provided, single submitter. Criteria: ACMG Guidelines, 2015. Collection method: clinical testing. Allele origin: germline. Inheritance: Autosomal dominant inheritance. Observed: 1 variant allele, 1 heterozygote.
Comment: This study involves interpretation of variants in research participants for the purpose of population health screening. Participant phenotype was not available at the time of variant classification. Additional details can be found in publication PMID: 35346344, PMCID: PMC8962531

Ambry Genetics
Classification: Likely benign for Cardiovascular phenotype. Last evaluated: 2020-09-01. Review status: criteria provided, single submitter. Criteria: Ambry Variant Classification Scheme 2023. Collection method: clinical testing. Allele origin: germline.

Color Diagnostics, LLC DBA Color Health
Classification: Likely benign for Arrhythmia. Last evaluated: 2019-07-26. Review status: criteria provided, single submitter. Criteria: ACMG Guidelines, 2015. Collection method: clinical testing. Allele origin: germline.

NM_000238.4(KCNH2):c.1143C>T (p.Gly381=)

Gene: KCNH2 (potassium voltage-gated channel subfamily H member 2; minus strand). Cytogenetic location: 7q36.1.
Variant type: single nucleotide variant.
Coding change: c.1143C>T on transcript NM_000238.4 (MANE Select); coding-DNA position 1143, C replaced by T.
Protein change: p.Gly381=; no amino-acid change (glycine 381 retained).
Molecular consequence: synonymous variant. On other transcripts: non-coding transcript variant (2).
Genome position (GRCh38, 1-based): chr7:150,952,839, G>A on the plus strand (C>T on the coding strand, the complement: KCNH2 is on the minus strand). VCF-style: chr7-150952839-G-A. GRCh37 (hg19) VCF-style: chr7-150649927-G-A.
Other names: c.123C>T, p.Gly41= (NM_001204798.2, NM_172057.3); c.855C>T, p.Gly285= (NM_001406753.1, NM_001406756.1); c.966C>T, p.Gly322= (NM_001406755.1); c.843C>T, p.Gly281= (NM_001406757.1); c.1143C>T, p.Gly381= (NM_172056.3).
Identifiers: ClinVar variation 456882 (VCV000456882.19), dbSNP rs1452623581, ClinGen allele CA458645814.